The following is an entry in ClinVar:

ClinVar aggregate classification (germline): Uncertain significance. Review status: criteria provided, single submitter (1 of 4 stars). 2 submissions from 2 submitters: Uncertain significance (1). 1 of the submissions does not count toward it. Last evaluated 2024-10-15.

Conditions:
NTRK2-related disorder. Also called: NTRK2-related condition.

Allele frequency attached by ClinVar (database versions not stated): gnomAD 0.00001; gnomAD exomes 0.00001; TOPMed 0.00001; ExAC 0.00002; ESP Exome Variant Server 0.00008.
gnomAD v4.1: 19 of 1,613,648 alleles (0.0012%); highest among the groups gnomAD compares: Non-Finnish European, 0.0014%; no homozygotes.

Submissions (2):

Labcorp Genetics (formerly Invitae), Labcorp
Classification: Uncertain significance. Last evaluated: 2024-10-15. Review status: criteria provided, single submitter. Criteria: Invitae Variant Classification Sherloc (09022015). Collection method: clinical testing. Allele origin: germline.
Comment: This sequence change replaces alanine, which is neutral and non-polar, with glycine, which is neutral and non-polar, at codon 435 of the NTRK2 protein (p.Ala435Gly). This variant is present in population databases (rs372937529, gnomAD 0.002%). This variant has not been reported in the literature in individuals affected with NTRK2-related conditions. ClinVar contains an entry for this variant (Variation ID: 1378899). Invitae Evidence Modeling of protein sequence and biophysical properties (such as structural, functional, and spatial information, amino acid conservation, physicochemical variation, residue mobility, and thermodynamic stability) indicates that this missense variant is not expected to disrupt NTRK2 protein function with a negative predictive value of 80%. In summary, the available evidence is currently insufficient to determine the role of this variant in disease. Therefore, it has been classified as a Variant of Uncertain Significance.

PreventionGenetics, part of Exact Sciences
Classification: Uncertain significance for NTRK2-related condition. Last evaluated: 2024-06-10. Review status: no assertion criteria provided. Collection method: clinical testing. Allele origin: germline. Not counted in ClinVar's aggregate classification.
Comment: The NTRK2 c.1304C>G variant is predicted to result in the amino acid substitution p.Ala435Gly. To our knowledge, this variant has not been reported in the literature. This variant is reported in 0.0018% of alleles in individuals of European (Non-Finnish) descent in gnomAD v2 (as displayed in the table above). However, in gnomAD v4 (available only on GRCh38), this variant is reported in 19 alleles globally, which is likely too common for a highly penetrant pathogenic variant. Although we suspect that this variant may be benign, the clinical significance of this variant is classified as uncertain at this time due to insufficient functional and genetic evidence.

NM_006180.6(NTRK2):c.1304C>G (p.Ala435Gly)

Gene: NTRK2 (neurotrophic receptor tyrosine kinase 2; plus strand). Cytogenetic location: 9q21.33.
Variant type: single nucleotide variant.
Coding change: c.1304C>G on transcript NM_006180.6 (MANE Select); coding-DNA position 1304, C replaced by G.
Protein change: p.Ala435Gly; replaces alanine 435 with glycine.
Molecular consequence: missense variant.
Genome position (GRCh38, 1-based): chr9:84,751,993, C>G. VCF-style: chr9-84751993-C-G. GRCh37 (hg19) VCF-style: chr9-87366908-C-G.
Other names: c.1304C>G, p.Ala435Gly (NM_001007097.3, NM_001018064.3, NM_001018065.2 and 15 more transcripts); c.1265C>G, p.Ala422Gly (NM_001291937.2, NM_001369546.1); c.1268C>G, p.Ala423Gly (NM_001369534.1); c.836C>G, p.Ala279Gly (NM_001369535.1, NM_001369536.1, NM_001369550.1 and 2 more transcripts); c.1304C>G (NM_006180.4); short protein forms A435G, A279G, A422G, A423G.
Identifiers: ClinVar variation 1378899 (VCV001378899.7), dbSNP rs372937529, ClinGen allele CA5105712.
Genomic context (GRCh38, chr9:84,751,993, plus strand): 5'-ATTATAGGGAACTAATTAGCAAGGTTATAACCACCCTCCCTTCCTTTCTCTAGGTCTATG[C>G]TGTGGTGGTGATTGCGTCTGTGGTGGGATTTTGCCTTTTGGTAATGCTGTTTCTGCTTAA-3'
Protein context (NP_006171.2, residues 425-445): KTGREHLSVY[Ala435Gly]VVVIASVVGF